The following is an entry in ClinVar:

NM_003743.5(NCOA1):c.2901T>G (p.Asp967Glu)

Gene: NCOA1 (nuclear receptor coactivator 1; plus strand). Cytogenetic location: 2p23.3.
Variant type: single nucleotide variant.
Coding change: c.2901T>G on transcript NM_003743.5 (MANE Select); coding-DNA position 2901, T replaced by G.
Protein change: p.Asp967Glu; replaces aspartic acid 967 with glutamic acid.
Molecular consequence: missense variant.
Genome position (GRCh38, 1-based): chr2:24,729,515, T>G. VCF-style: chr2-24729515-T-G. GRCh37 (hg19) VCF-style: chr2-24952384-T-G.
Other names: c.2901T>G, p.Asp967Glu (NM_001362955.1, NM_147223.3, NM_147233.2 and 3 more transcripts); short protein forms D967E.
Identifiers: ClinVar variation 3357636 (VCV003357636.2).
Genomic context (GRCh38, chr2:24,729,515, plus strand): 5'-TTGGCAGAAATTTATTTGTAAAATATTCTGGCTTCTTTTCTAACAGGGGGGTGGATTAGA[T>G]GTATTATCAGAGAGATTTCCACCACAACAAGCAACGCCACCTTTGATCATGGAAGAAAGA-3'
Protein context (NP_003734.3, residues 957-977): IDKLVQGGGL[Asp967Glu]VLSERFPPQQ

ClinVar aggregate classification (germline): Uncertain significance (1 of 4 stars; one submission).

Conditions:
NCOA1-related disorder. Also called: NCOA1-related condition.

gnomAD v4.1: 3 of 1,613,656 alleles (0.00019%); highest among the groups gnomAD compares: Non-Finnish European, 0.00025%; no homozygotes.

Submission:

PreventionGenetics, part of Exact Sciences
Classification: Uncertain significance for NCOA1-related condition. Last evaluated: 2026-01-21. Review status: criteria provided, single submitter. Criteria: ACMG Guidelines, 2015. Collection method: clinical testing. Allele origin: germline.
Comment: The NCOA1 c.2901T>G variant is predicted to result in the amino acid substitution p.Asp967Glu. To our knowledge, this variant has not been reported in the literature or in a large population database, indicating this variant is rare. At this time, the clinical significance of this variant is uncertain due to the absence of conclusive functional and genetic evidence.